The following is an entry in ClinVar:

ClinVar aggregate classification (germline): Uncertain significance (1 of 4 stars; one submission).

Submission:

GeneDx
Classification: Uncertain significance. Last evaluated: 2025-03-24. Review status: criteria provided, single submitter. Criteria: GeneDx Variant Classification Process June 2021. Collection method: clinical testing. Allele origin: germline. Affected: yes.
Comment: Not observed at significant frequency in large population cohorts (gnomAD); In silico analysis supports that this missense variant has a deleterious effect on protein structure/function; Has not been previously published as pathogenic or benign to our knowledge

NM_182978.4(GNAL):c.1370T>G (p.Leu457Arg)

Gene: GNAL (G protein subunit alpha L; plus strand). Cytogenetic location: 18p11.21.
Variant type: single nucleotide variant.
Coding change: c.1370T>G on transcript NM_182978.4 (MANE Select); coding-DNA position 1370, T replaced by G.
Protein change: p.Leu457Arg; replaces leucine 457 with arginine.
Molecular consequence: missense variant.
Genome position (GRCh38, 1-based): chr18:11,881,128, T>G. VCF-style: chr18-11881128-T-G. GRCh37 (hg19) VCF-style: chr18-11881127-T-G.
Other names: c.1139T>G, p.Leu380Arg (NM_001142339.3, NM_001261443.2, NM_001369387.1); c.518T>G, p.Leu173Arg (NM_001261444.2); short protein forms L173R, L380R, L457R.
Identifiers: ClinVar variation 1810132 (VCV001810132.2), dbSNP rs2510535845, ClinGen allele CA401928455.
Genomic context (GRCh38, chr18:11,881,128, plus strand): 5'-GCAGGGTGTTCAACGACTGCCGCGACATCATCCAGCGGATGCACCTCAAGCAGTATGAGC[T>G]CTTGTGAGGATGCTGCCGCCACCCTGCGACGGAGCGGCGCCCCGGACTGCCTGACTGCCA-3'
Protein context (NP_892023.1, residues 447-458): IQRMHLKQYE[Leu457Arg]L